The following is an entry in ClinVar:

NM_173628.4(DNAH17):c.3087G>A (p.Pro1029=)

Genes: DNAH17 (dynein axonemal heavy chain 17; minus strand), LOC126862656 (MED14-independent group 3 enhancer GRCh37_chr17:76528450-76529649; plus strand). Cytogenetic location: 17q25.3.
Variant type: single nucleotide variant.
Coding change: c.3087G>A on transcript NM_173628.4 (MANE Select); coding-DNA position 3087, G replaced by A.
Protein change: p.Pro1029=; no amino-acid change (proline 1029 retained).
Molecular consequence: synonymous variant.
Genome position (GRCh38, 1-based): chr17:78,532,509, C>T on the plus strand (G>A on the coding strand, the complement: DNAH17 is on the minus strand). VCF-style: chr17-78532509-C-T. GRCh37 (hg19) VCF-style: chr17-76528591-C-T.
Identifiers: ClinVar variation 402696 (VCV000402696.9), dbSNP rs11868065, ClinGen allele CA8804388.

ClinVar aggregate classification (germline): Benign. Review status: criteria provided, multiple submitters, no conflicts (2 of 4 stars). 4 submissions from 4 submitters: Benign (3). 1 of the submissions does not count toward it. Last evaluated 2021-05-04.

Conditions:
DNAH17-related disorder. Also called: DNAH17-related condition.

Allele frequency attached by ClinVar (database versions not stated): 1000 Genomes Project 0.46066; 1000 Genomes Project 30x 0.46721; gnomAD exomes 0.49172 and 0.51991; TOPMed 0.50146; gnomAD 0.50740 and 0.51212; ExAC 0.51006; ESP Exome Variant Server 0.52625.
gnomAD v4.1: 834,982 of 1,609,368 alleles (52%); highest among the groups gnomAD compares: Middle Eastern, 55%; 217,936 homozygotes.

Submissions (4):

GeneDx
Classification: Benign. Last evaluated: 2021-05-04. Review status: criteria provided, single submitter. Criteria: GeneDx Variant Classification Process June 2021. Collection method: clinical testing. Allele origin: germline. Affected: yes.

Laboratory for Molecular Medicine, Mass General Brigham Personalized Medicine
Classification: Benign. Last evaluated: 2016-03-29. Review status: criteria provided, single submitter. Criteria: LMM Criteria. Collection method: clinical testing. Allele origin: germline.
Comment: Variant identified in a genome or exome case(s) and assessed due to predicted null impact of the variant or pathogenic assertions in the literature or databases. Disclaimer: This variant has not undergone full assessment. The following are preliminary notes: Frequency

Breakthrough Genomics
Classification: Benign. Review status: criteria provided, single submitter. Criteria: ACMG Guidelines, 2015. Collection method: not provided. Allele origin: germline. Inheritance: Autosomal recessive inheritance. Affected: yes.

PreventionGenetics, part of Exact Sciences
Classification: Benign for DNAH17-related condition. Last evaluated: 2019-10-17. Review status: no assertion criteria provided. Collection method: clinical testing. Allele origin: germline. Not counted in ClinVar's aggregate classification.
Comment: This variant is classified as benign based on ACMG/AMP sequence variant interpretation guidelines (Richards et al. 2015 PMID: 25741868, with internal and published modifications).